The following is an entry in ClinVar:

NM_001903.5(CTNNA1):c.133A>G (p.Lys45Glu)

Gene: CTNNA1 (catenin alpha 1; plus strand). Cytogenetic location: 5q31.2.
Variant type: single nucleotide variant.
Coding change: c.133A>G on transcript NM_001903.5 (MANE Select); coding-DNA position 133, A replaced by G.
Protein change: p.Lys45Glu; replaces lysine 45 with glutamic acid.
Molecular consequence: missense variant. On other transcripts: 5 prime UTR variant (1), intron variant (1).
Genome position (GRCh38, 1-based): chr5:138,783,204, A>G. VCF-style: chr5-138783204-A-G. GRCh37 (hg19) VCF-style: chr5-138118893-A-G.
Other names: c.133A>G, p.Lys45Glu (NM_001290307.3, NM_001323982.2, NM_001323983.1 and 3 more transcripts); c.-74A>G (NM_001290310.3); c.-9+1175A>G (NM_001290309.3); short protein forms K45E.
Identifiers: ClinVar variation 4235630 (VCV004235630.1).

ClinVar aggregate classification (germline): Uncertain significance (1 of 4 stars; one submission).

Conditions:
Hereditary cancer-predisposing syndrome. Also called: Hereditary Cancer Syndrome; Hereditary neoplastic syndrome; Neoplastic Syndromes, Hereditary; Tumor predisposition. Identifiers: Orphanet 140162, MedGen C0027672, MeSH D009386, MONDO:0015356.

Submission:

Ambry Genetics
Classification: Uncertain significance for Hereditary cancer-predisposing syndrome. Last evaluated: 2025-06-25. Review status: criteria provided, single submitter. Criteria: Ambry Variant Classification Scheme 2023. Collection method: clinical testing. Allele origin: germline.
Comment: The p.K45E variant (also known as c.133A>G), located in coding exon 2 of the CTNNA1 gene, results from an A to G substitution at nucleotide position 133. The lysine at codon 45 is replaced by glutamic acid, an amino acid with similar properties. This amino acid position is conserved. In addition, this alteration is predicted to be deleterious by in silico analysis. Based on the available evidence, the clinical significance of this variant remains unclear.